The following is an entry in ClinVar:

ClinVar aggregate classification (germline): Uncertain significance (1 of 4 stars; one submission).

Conditions:
Duchenne muscular dystrophy (DMD). Also called: MUSCULAR DYSTROPHY, PSEUDOHYPERTROPHIC PROGRESSIVE, DUCHENNE TYPE; Duchenne Muscular Dystrophy (DMD). Identifiers: Orphanet 98896, MedGen C0013264, MONDO:0010679, OMIM 310200.

Allele frequency attached by ClinVar (database versions not stated): gnomAD exomes below 0.00001; ExAC 0.00001; TOPMed 0.00001.
gnomAD v4.1: 3 of 1,204,986 alleles (0.00025%); highest among the groups gnomAD compares: African/African-American, 0.0035%; no homozygotes.

Submission:

Labcorp Genetics (formerly Invitae), Labcorp
Classification: Uncertain significance for Duchenne muscular dystrophy. Last evaluated: 2024-06-24. Review status: criteria provided, single submitter. Criteria: Invitae Variant Classification Sherloc (09022015). Collection method: clinical testing. Allele origin: germline.
Comment: This sequence change replaces glutamine, which is neutral and polar, with histidine, which is basic and polar, at codon 2350 of the DMD protein (p.Gln2350His). The frequency data for this variant in the population databases is considered unreliable, as metrics indicate poor data quality at this position in the gnomAD database. This variant has not been reported in the literature in individuals affected with DMD-related conditions. ClinVar contains an entry for this variant (Variation ID: 2081708). Advanced modeling of protein sequence and biophysical properties (such as structural, functional, and spatial information, amino acid conservation, physicochemical variation, residue mobility, and thermodynamic stability) performed at Invitae indicates that this missense variant is not expected to disrupt DMD protein function with a negative predictive value of 95%. In summary, the available evidence is currently insufficient to determine the role of this variant in disease. Therefore, it has been classified as a Variant of Uncertain Significance.

NM_004006.3(DMD):c.7050G>T (p.Gln2350His)

Gene: DMD (dystrophin; minus strand). Cytogenetic location: Xp21.1.
Variant type: single nucleotide variant.
Coding change: c.7050G>T on transcript NM_004006.3 (MANE Select); coding-DNA position 7050, G replaced by T.
Protein change: p.Gln2350His; replaces glutamine 2350 with histidine.
Molecular consequence: missense variant. On other transcripts: 5 prime UTR variant (5).
Genome position (GRCh38, 1-based): chrX:31,875,236, C>A on the plus strand (G>T on the coding strand, the complement: DMD is on the minus strand). VCF-style: chrX-31875236-C-A. GRCh37 (hg19) VCF-style: chrX-31893353-C-A.
Other names: c.7026G>T, p.Gln2342His (NM_000109.4); c.7038G>T, p.Gln2346His (NM_004009.3); c.6681G>T, p.Gln2227His (NM_004010.3); c.3027G>T, p.Gln1009His (NM_004011.4); c.3018G>T, p.Gln1006His (NM_004012.4); c.-331G>T (NM_004013.3, NM_004020.4, NM_004021.3 and 2 more transcripts); short protein forms Q1009H, Q2227H, Q2342H, Q1006H, Q2350H, Q2346H.
Identifiers: ClinVar variation 2081708 (VCV002081708.3), dbSNP rs761082809, ClinGen allele CA10378354.